The following is an entry in ClinVar:

ClinVar aggregate classification (germline): Uncertain significance. Review status: criteria provided, multiple submitters, no conflicts (2 of 4 stars). 2 submissions from 2 submitters: Uncertain significance (2). Last evaluated 2023-10-03.

Conditions:
Hereditary cancer-predisposing syndrome. Also called: Neoplastic Syndromes, Hereditary; Hereditary neoplastic syndrome; Tumor predisposition; Hereditary Cancer Syndrome. Identifiers: Orphanet 140162, MedGen C0027672, MeSH D009386, MONDO:0015356.
Cardiovascular phenotype. Identifiers: MedGen CN230736.
Neurofibromatosis, type 1 (NF1). Also called: Peripheral type neurofibromatosis; VON RECKLINGHAUSEN DISEASE; Neurofibromatosis, type I; NEUROFIBROMATOSIS, TYPE I, SOMATIC. Identifiers: Orphanet 636, MedGen C0027831, MONDO:0018975, OMIM 162200. Disease mechanism: loss of function.

Submissions (2):

Ambry Genetics
Classification: Uncertain significance for Cardiovascular phenotype; Hereditary cancer-predisposing syndrome. Last evaluated: 2023-10-03. Review status: criteria provided, single submitter. Criteria: Ambry Variant Classification Scheme 2023. Collection method: clinical testing. Allele origin: germline.
Comment: The p.G2807S variant (also known as c.8419G>A), located in coding exon 57 of the NF1 gene, results from a G to A substitution at nucleotide position 8419. The glycine at codon 2807 is replaced by serine, an amino acid with similar properties. This amino acid position is highly conserved in available vertebrate species. In addition, the in silico prediction for this alteration is inconclusive. Since supporting evidence is limited at this time, the clinical significance of this alteration remains unclear.

Labcorp Genetics (formerly Invitae), Labcorp
Classification: Uncertain significance for Neurofibromatosis, type 1. Last evaluated: 2019-12-16. Review status: criteria provided, single submitter. Criteria: Invitae Variant Classification Sherloc (09022015). Collection method: clinical testing. Allele origin: germline.
Comment: In summary, the available evidence is currently insufficient to determine the role of this variant in disease. Therefore, it has been classified as a Variant of Uncertain Significance. Algorithms developed to predict the effect of missense changes on protein structure and function are either unavailable or do not agree on the potential impact of this missense change (SIFT: "Tolerated"; PolyPhen-2: "Probably Damaging"; Align-GVGD: "Class C0"). This variant has not been reported in the literature in individuals with NF1-related conditions. This variant is not present in population databases (ExAC no frequency). This sequence change replaces glycine with serine at codon 2807 of the NF1 protein (p.Gly2807Ser). The glycine residue is moderately conserved and there is a small physicochemical difference between glycine and serine.

NM_001042492.3(NF1):c.8482G>A (p.Gly2828Ser)

Gene: NF1 (neurofibromin 1; plus strand). Cytogenetic location: 17q11.2.
Variant type: single nucleotide variant.
Coding change: c.8482G>A on transcript NM_001042492.3 (MANE Select); coding-DNA position 8482, G replaced by A.
Protein change: p.Gly2828Ser; replaces glycine 2828 with serine.
Molecular consequence: missense variant.
Genome position (GRCh38, 1-based): chr17:31,374,117, G>A. VCF-style: chr17-31374117-G-A. GRCh37 (hg19) VCF-style: chr17-29701135-G-A.
Other names: c.8419G>A, p.Gly2807Ser (NM_000267.4); short protein forms G2828S, G2807S.
Identifiers: ClinVar variation 845261 (VCV000845261.10), dbSNP rs2070697456, ClinGen allele CA399206070.